The following is an entry in ClinVar:

NM_006393.3(NEBL):c.1259T>C (p.Ile420Thr)

Gene: NEBL (nebulette; minus strand). Cytogenetic location: 10p12.31.
Variant type: single nucleotide variant.
Coding change: c.1259T>C on transcript NM_006393.3 (MANE Select); coding-DNA position 1259, T replaced by C.
Protein change: p.Ile420Thr; replaces isoleucine 420 with threonine.
Molecular consequence: missense variant. On other transcripts: intron variant (9).
Genome position (GRCh38, 1-based): chr10:20,840,818, A>G on the plus strand (T>C on the coding strand, the complement: NEBL is on the minus strand). VCF-style: chr10-20840818-A-G. GRCh37 (hg19) VCF-style: chr10-21129747-A-G.
Other names: c.250-27878T>C (NM_001377326.1, NM_001377327.1, NM_001377328.1); c.358-27878T>C (NM_213569.2, NM_001173484.2, NM_001377322.1); c.301-27878T>C (NM_001377324.1); c.292-27878T>C (NM_001377325.1); c.310-27878T>C (NM_001377323.1); short protein forms I420T.
Identifiers: ClinVar variation 1020496 (VCV001020496.9), dbSNP rs1841346894, ClinGen allele CA376099258.

ClinVar aggregate classification (germline): Uncertain significance (1 of 4 stars; one submission).

Conditions:
Primary dilated cardiomyopathy (DCM). Also called: Dilated Cardiomyopathy. Identifiers: Orphanet 217604, MedGen C0007193, MeSH D002311, MONDO:0005021, HP:0001644. Inheritance: Various modes of inheritance.

Submission:

Labcorp Genetics (formerly Invitae), Labcorp
Classification: Uncertain significance for Primary dilated cardiomyopathy. Last evaluated: 2020-10-08. Review status: criteria provided, single submitter. Criteria: Invitae Variant Classification Sherloc (09022015). Collection method: clinical testing. Allele origin: germline.
Comment: In summary, the available evidence is currently insufficient to determine the role of this variant in disease. Therefore, it has been classified as a Variant of Uncertain Significance. Algorithms developed to predict the effect of missense changes on protein structure and function are either unavailable or do not agree on the potential impact of this missense change (SIFT: "Tolerated"; PolyPhen-2: "Possibly Damaging"; Align-GVGD: "Class C0"). This variant has not been reported in the literature in individuals with NEBL-related conditions. This variant is not present in population databases (ExAC no frequency). This sequence change replaces isoleucine with threonine at codon 420 of the NEBL protein (p.Ile420Thr). The isoleucine residue is moderately conserved and there is a moderate physicochemical difference between isoleucine and threonine.